The following is an entry in ClinVar:

ClinVar aggregate classification (germline): Likely benign (0 of 4 stars; one submission).

Conditions:
ARFGEF2-related disorder. Also called: ARFGEF2-related condition.

Allele frequency attached by ClinVar (database versions not stated): gnomAD exomes below 0.00001; ExAC 0.00001; gnomAD 0.00001; TOPMed 0.00003; ESP Exome Variant Server 0.00008.
gnomAD v4.1: 8 of 1,613,400 alleles (0.0005%); highest among the groups gnomAD compares: African/African-American, 0.0027%; no homozygotes.

Submission:

PreventionGenetics, part of Exact Sciences
Classification: Likely benign for ARFGEF2-related condition. Last evaluated: 2023-03-17. Review status: no assertion criteria provided. Collection method: clinical testing. Allele origin: germline.
Comment: This variant is classified as likely benign based on ACMG/AMP sequence variant interpretation guidelines (Richards et al. 2015 PMID: 25741868, with internal and published modifications).

NM_006420.3(ARFGEF2):c.4791G>A (p.Thr1597=)

Gene: ARFGEF2 (ARF guanine nucleotide exchange factor 2; plus strand). Cytogenetic location: 20q13.13.
Variant type: single nucleotide variant.
Coding change: c.4791G>A on transcript NM_006420.3 (MANE Select); coding-DNA position 4791, G replaced by A.
Protein change: p.Thr1597=; no amino-acid change (threonine 1597 retained).
Molecular consequence: synonymous variant.
Genome position (GRCh38, 1-based): chr20:49,025,348, G>A. VCF-style: chr20-49025348-G-A. GRCh37 (hg19) VCF-style: chr20-47641885-G-A.
Other names: c.4788G>A, p.Thr1596= (NM_001410846.1).
Identifiers: ClinVar variation 3053438 (VCV003053438.2), dbSNP rs370815962, ClinGen allele CA9899334.
Genomic context (GRCh38, chr20:49,025,348, plus strand): 5'-TTCTATCCTCTGTCCTGTCCTCTAGCAAGACACGCTGGATGCAGATATCCACATAGAGAC[G>A]GAGGATCAGGGCATGTATAAGTACATGTCTTCCCAGCACCTCTTCAAGCTGTTGGACTGT-3'
Protein context (NP_006411.2, residues 1587-1607): DTLDADIHIE[Thr1597=]EDQGMYKYMS